The following is an entry in ClinVar:

NM_000311.5(PRNP):c.304C>T (p.Pro102Ser)

Gene: PRNP (prion protein (Kanno blood group); plus strand). Cytogenetic location: 20p13.
Variant type: single nucleotide variant.
Coding change: c.304C>T on transcript NM_000311.5 (MANE Select); coding-DNA position 304, C replaced by T.
Protein change: p.Pro102Ser; replaces proline 102 with serine.
Molecular consequence: missense variant.
Genome position (GRCh38, 1-based): chr20:4,699,524, C>T. VCF-style: chr20-4699524-C-T. GRCh37 (hg19) VCF-style: chr20-4680170-C-T.
Other names: c.304C>T, p.Pro102Ser (NM_001080121.3, NM_001080122.3, NM_001080123.3 and 1 more transcripts); c.215C>T, p.Ala72Val (NM_001271561.3); short protein forms A72V, P102S.
Identifiers: ClinVar variation 3366860 (VCV003366860.1).

ClinVar aggregate classification (germline): Likely pathogenic (0 of 4 stars; one submission).

Conditions:
Gerstmann-Straussler-Scheinker syndrome (GSD). Also called: GERSTMANN-STRAUSSLER DISEASE; CEREBELLAR ATAXIA, PROGRESSIVE DEMENTIA, AND AMYLOID DEPOSITS IN CNS; PRION DEMENTIA; Spongiform encephalopathy; Cerebellar ataxia, progressive dementia, and amyloid deposits in the central nervous system; Encephalopathy subacute spongiform Gerstmann-Straussler type. Identifiers: Orphanet 356, MedGen C0017495, MONDO:0007656, OMIM 137440.

Submission:

Centre de Génétique Humaine, Institut de Pathologie Et de Génétique
Classification: Likely pathogenic for Gerstmann-Straussler-Scheinker syndrome. Review status: no assertion criteria provided. Collection method: clinical testing. Allele origin: paternal. Inheritance: Autosomal dominant inheritance. Affected: yes. Observed: 2 variant alleles, 2 heterozygotes. Clinical features observed: Cerebellar atrophy (HP:0001272), Ataxia (HP:0001251), Dysarthria (HP:0001260).
Comment: The variant c.304C>T p.(Pro102Ser) of the PRNP gene is not found in GnomAD. This variant has not yet been described in the litterature, but concerns the same amino acid residue as the recurrent pathogenic p.(Pro102Leu)(PMID : 29148226, 23944754, 18566986). The Proline at position 102 is highly conserved. The variant cosegregates with the clinical phenotype of Gerstmann-Straussler-Scheinker disease in the family (father and son).